The following is an entry in ClinVar:

NM_000038.6(APC):c.3510A>G (p.Lys1170=)

Gene: APC (APC regulator of Wnt signaling pathway; plus strand). Cytogenetic location: 5q22.2.
Variant type: single nucleotide variant.
Coding change: c.3510A>G on transcript NM_000038.6 (MANE Select); coding-DNA position 3510, A replaced by G.
Protein change: p.Lys1170=; no amino-acid change (lysine 1170 retained).
Molecular consequence: synonymous variant.
Genome position (GRCh38, 1-based): chr5:112,839,104, A>G. VCF-style: chr5-112839104-A-G. GRCh37 (hg19) VCF-style: chr5-112174801-A-G.
Other names: c.3510A>G, p.Lys1170= (NM_001127510.3, NM_001354895.2); c.3456A>G, p.Lys1152= (NM_001127511.3); c.3564A>G, p.Lys1188= (NM_001354896.2); c.3540A>G, p.Lys1180= (NM_001354897.2); c.3435A>G, p.Lys1145= (NM_001354898.2); c.3426A>G, p.Lys1142= (NM_001354899.2); c.3387A>G, p.Lys1129= (NM_001354900.2); c.3333A>G, p.Lys1111= (NM_001354901.2); and 5 more.
Identifiers: ClinVar variation 187453 (VCV000187453.17), dbSNP rs786203746, ClinGen allele CA008467.

ClinVar aggregate classification (germline): Benign/Likely benign. Review status: criteria provided, multiple submitters, no conflicts (2 of 4 stars). 5 submissions from 5 submitters: Benign (1); Likely benign (4). Last evaluated 2025-10-08.

Conditions:
Hereditary cancer-predisposing syndrome. Also called: Neoplastic Syndromes, Hereditary; Tumor predisposition; Hereditary Cancer Syndrome; Hereditary neoplastic syndrome. Identifiers: Orphanet 140162, MedGen C0027672, MeSH D009386, MONDO:0015356.
Familial adenomatous polyposis 1 (FAP1). Also called: FAMILIAL ADENOMATOUS POLYPOSIS 1, ATTENUATED; POLYPOSIS, ADENOMATOUS INTESTINAL. Identifiers: MedGen C2713442, MONDO:0021056, OMIM 175100. Disease mechanism: loss of function.

Allele frequency attached by ClinVar (database versions not stated): gnomAD exomes below 0.00001; TOPMed below 0.00001.
gnomAD v4.1: 3 of 1,614,124 alleles (0.00019%); highest among the groups gnomAD compares: Admixed American, 0.0017%; no homozygotes.

Submissions (5):

Labcorp Genetics (formerly Invitae), Labcorp
Classification: Likely benign for Familial adenomatous polyposis 1. Last evaluated: 2025-10-08. Review status: criteria provided, single submitter. Criteria: Invitae Variant Classification Sherloc (09022015). Collection method: clinical testing. Allele origin: germline.

Myriad Genetics, Inc.
Classification: Benign for Familial adenomatous polyposis 1. Last evaluated: 2024-03-21. Review status: criteria provided, single submitter. Criteria: Myriad Autosomal Dominant, Autosomal Recessive and X-Linked Classification Criteria (2023). Collection method: clinical testing. Allele origin: unknown.
Comment: This variant is considered benign. This variant is a silent/synonymous amino acid change and it is not expected to impact splicing.

Quest Diagnostics Nichols Institute San Juan Capistrano
Classification: Likely benign. Last evaluated: 2023-06-03. Review status: criteria provided, single submitter. Criteria: Quest Diagnostics criteria. Collection method: clinical testing. Allele origin: unknown.

Color Diagnostics, LLC DBA Color Health
Classification: Likely benign for Hereditary cancer-predisposing syndrome. Last evaluated: 2017-10-16. Review status: criteria provided, single submitter. Criteria: ACMG Guidelines, 2015. Collection method: clinical testing. Allele origin: germline.

Ambry Genetics
Classification: Likely benign for Hereditary cancer-predisposing syndrome. Last evaluated: 2014-12-15. Review status: criteria provided, single submitter. Criteria: Ambry Variant Classification Scheme 2023. Collection method: clinical testing. Allele origin: germline.